The following is an entry in ClinVar:

NM_006950.3(SYN1):c.121G>A (p.Gly41Arg)

Gene: SYN1 (synapsin I; minus strand). Cytogenetic location: Xp11.23.
Variant type: single nucleotide variant.
Coding change: c.121G>A on transcript NM_006950.3 (MANE Select); coding-DNA position 121, G replaced by A.
Protein change: p.Gly41Arg; replaces glycine 41 with arginine.
Molecular consequence: missense variant.
Genome position (GRCh38, 1-based): chrX:47,619,608, C>T on the plus strand (G>A on the coding strand, the complement: SYN1 is on the minus strand). VCF-style: chrX-47619608-C-T. GRCh37 (hg19) VCF-style: chrX-47479007-C-T.
Other names: c.121G>A, p.Gly41Arg (NM_133499.2); short protein forms G41R.
Identifiers: ClinVar variation 1031607 (VCV001031607.2), dbSNP rs2057941966, ClinGen allele CA412832082.

ClinVar aggregate classification (germline): Uncertain significance. Review status: criteria provided, multiple submitters, no conflicts (2 of 4 stars). 2 submissions from 2 submitters: Uncertain significance (2). Last evaluated 2026-04-09.

Conditions:
Epilepsy, X-linked 1, with variable learning disabilities and behavior disorders. Also called: X-linked epilepsy-learning disabilities-behavior disorders syndrome. Identifiers: Orphanet 85294, MedGen C5774177, MONDO:0010339, OMIM 300491.

Allele frequency attached by ClinVar (database versions not stated): gnomAD exomes below 0.00001.

Submissions (2):

GeneDx
Classification: Uncertain significance. Last evaluated: 2026-04-09. Review status: criteria provided, single submitter. Criteria: GeneDx Variant Classification Process June 2021. Collection method: clinical testing. Allele origin: germline.
Comment: Not observed at significant frequency in large population cohorts (gnomAD); In silico analysis suggests that this missense variant does not alter protein structure/function; Has not been previously published as pathogenic or benign to our knowledge

Baylor Genetics
Classification: Uncertain significance for Epilepsy, X-linked 1, with variable learning disabilities and behavior disorders. Last evaluated: 2018-10-19. Review status: criteria provided, single submitter. Criteria: ACMG Guidelines, 2015. Collection method: clinical testing. Allele origin: maternal. Affected: yes.
Comment: This variant was determined to be of uncertain significance according to ACMG Guidelines, 2015 [PMID:25741868].